The following is an entry in ClinVar:

ClinVar aggregate classification (germline): Uncertain significance. Review status: criteria provided, multiple submitters, no conflicts (2 of 4 stars). 2 submissions from 2 submitters: Uncertain significance (2). Last evaluated 2025-10-13.

Conditions:
Inborn genetic diseases. Identifiers: MedGen C0950123, MeSH D030342.
Acute myeloid leukemia (AML). Also called: Acute myeloid leukemia, adult; AML adult; Acute non-lymphocytic leukemia; Acute granulocytic leukemia; Leukemia, acute myelogenous, somatic; Leukemia, acute myeloid, somatic. Identifiers: Orphanet 519, MedGen C0023467, MeSH D015470, MONDO:0018874, OMIM 601626, HP:0004808. Disease mechanism: Constitutively activated FLT3.

Allele frequency attached by ClinVar (database versions not stated): TOPMed below 0.00001.

Submissions (2):

Ambry Genetics
Classification: Uncertain significance for Inborn genetic diseases. Last evaluated: 2025-10-13. Review status: criteria provided, single submitter. Criteria: Ambry Variant Classification Scheme 2023. Collection method: clinical testing. Allele origin: germline.
Comment: The p.P97S variant (also known as c.289C>T), located in coding exon 1 of the CEBPA gene, results from a C to T substitution at nucleotide position 289. The proline at codon 97 is replaced by serine, an amino acid with similar properties. This amino acid position is conserved. In addition, this alteration is predicted to be tolerated by in silico analysis. Based on the available evidence, the clinical significance of this variant remains unclear.

Labcorp Genetics (formerly Invitae), Labcorp
Classification: Uncertain significance for Acute myeloid leukemia. Last evaluated: 2022-09-27. Review status: criteria provided, single submitter. Criteria: Invitae Variant Classification Sherloc (09022015). Collection method: clinical testing. Allele origin: germline.
Comment: This variant is present in population databases (no rsID available, gnomAD 0.07%). This sequence change replaces proline, which is neutral and non-polar, with serine, which is neutral and polar, at codon 97 of the CEBPA protein (p.Pro97Ser). This variant has not been reported in the literature in individuals affected with CEBPA-related conditions. In summary, the available evidence is currently insufficient to determine the role of this variant in disease. Therefore, it has been classified as a Variant of Uncertain Significance. Algorithms developed to predict the effect of missense changes on protein structure and function are either unavailable or do not agree on the potential impact of this missense change (SIFT: "Tolerated"; PolyPhen-2: "Possibly Damaging"; Align-GVGD: "Class C0"). ClinVar contains an entry for this variant (Variation ID: 998725).

NM_004364.5(CEBPA):c.289C>T (p.Pro97Ser)

Gene: CEBPA (CCAAT enhancer binding protein alpha; minus strand). Cytogenetic location: 19q13.11.
Variant type: single nucleotide variant.
Coding change: c.289C>T on transcript NM_004364.5 (MANE Select); coding-DNA position 289, C replaced by T.
Protein change: p.Pro97Ser; replaces proline 97 with serine.
Molecular consequence: missense variant. On other transcripts: 5 prime UTR variant (1).
Genome position (GRCh38, 1-based): chr19:33,302,126, G>A on the plus strand (C>T on the coding strand, the complement: CEBPA is on the minus strand). VCF-style: chr19-33302126-G-A. GRCh37 (hg19) VCF-style: chr19-33793032-G-A.
Other names: c.-69C>T (NM_001285829.2); c.394C>T, p.Pro132Ser (NM_001287424.2); c.247C>T, p.Pro83Ser (NM_001287435.2); c.289C>T (NM_004364.3); short protein forms P132S, P83S, P97S.
Identifiers: ClinVar variation 998725 (VCV000998725.8), dbSNP rs1199712903, ClinGen allele CA405275261.